The following is an entry in ClinVar:

NM_001122764.3(PPOX):c.313dup (p.Leu105fs)

Gene: PPOX (protoporphyrinogen oxidase; plus strand). Cytogenetic location: 1q23.3.
Variant type: Duplication.
Coding change: c.313dup on transcript NM_001122764.3 (MANE Select); coding-DNA position 313, one base duplicated (C; older notation c.313dupC).
Protein change: p.Leu105fs; shifts the reading frame from leucine 105.
Molecular consequence: frameshift variant. On other transcripts: 5 prime UTR variant (3), intron variant (2).
Genome position (GRCh38, 1-based): chr1:161,167,461, C duplicated; the last of 3 consecutive C bases (chr1:161,167,459-161,167,461); duplicating any one gives the same sequence. VCF-style (leftmost placement, unchanged base first): chr1-161167458-G-GC. GRCh37 (hg19) VCF-style: chr1-161137248-G-GC.
Other names: c.313dup, p.Leu105fs (NM_000309.5, NM_001365398.1, NM_001365399.1); c.328dup, p.Leu110fs (NM_001350128.2); c.-115dup (NM_001350129.2); c.-174dup (NM_001350130.2); c.-60dup (NM_001350131.2); c.-90+227dup (NM_001365400.1); c.-149+227dup (NM_001365401.1); short protein forms L105fs, L110fs.
Identifiers: ClinVar variation 3362804 (VCV003362804.1).
Genomic context (GRCh38, chr1:161,167,458, plus strand): 5'-GTGCTGCCTGTCCGGGGAGACCACCCAGCTGCCCAGAACAGGTTCCTCTACGTGGGCGGT[G>GC]CCCTGCATGCCCTACCCACTGGCCTCAGGTAACACCAGCACCTCCGCTCCTTTTACTGTG-3'

ClinVar aggregate classification (germline): Likely pathogenic (1 of 4 stars; one submission).

Conditions:
Variegate porphyria (VP). Also called: PORPHYRIA, SOUTH AFRICAN TYPE; PROTOPORPHYRINOGEN OXIDASE DEFICIENCY; PPOX DEFICIENCY. Identifiers: Orphanet 79473, MedGen C0162532, MONDO:0008297, OMIM 176200.

Submission:

Department of Human Genetics, Hannover Medical School
Classification: Likely pathogenic for Variegate porphyria. Last evaluated: 2024-10-11. Review status: criteria provided, single submitter. Criteria: ACMG Guidelines, 2015. Collection method: clinical testing. Allele origin: germline. Inheritance: Autosomal dominant inheritance. Affected: yes.
Comment: ACMG: PVS1, PM2_Supporting